The following is an entry in ClinVar:

NM_007294.4(BRCA1):c.4966G>T (p.Gly1656Cys)

Gene: BRCA1 (BRCA1 DNA repair associated; minus strand). Cytogenetic location: 17q21.31.
Variant type: single nucleotide variant.
Coding change: c.4966G>T on transcript NM_007294.4 (MANE Select); coding-DNA position 4966, G replaced by T.
Protein change: p.Gly1656Cys; replaces glycine 1656 with cysteine.
Molecular consequence: missense variant. On other transcripts: non-coding transcript variant (1).
Genome position (GRCh38, 1-based): chr17:43,070,948, C>A on the plus strand (G>T on the coding strand, the complement: BRCA1 is on the minus strand). VCF-style: chr17-43070948-C-A. GRCh37 (hg19) VCF-style: chr17-41222965-C-A.
Other names: c.1657G>T, p.Gly553Cys (NM_001407974.1, NM_001407973.1, NM_001407975.1 and 3 more transcripts); c.1654G>T, p.Gly552Cys (NM_001407985.1, NM_001407986.1, NM_001407990.1 and 13 more transcripts); c.1651G>T, p.Gly551Cys (NM_001408392.1, NM_001408396.1, NM_001408397.1 and 8 more transcripts); c.1645G>T, p.Gly549Cys (NM_001408409.1); c.1582G>T, p.Gly528Cys (NM_001408410.1); c.1579G>T, p.Gly527Cys (NM_001408411.1); c.1576G>T, p.Gly526Cys (NM_001408412.1, NM_001408413.1, NM_001408414.1 and 2 more transcripts); c.1540G>T, p.Gly514Cys (NM_001408418.1, NM_001408419.1, NM_001408420.1); and 70 more; short protein forms G1609C, G552C, G1656C, G1677C, G1359C, G1543C, G1544C, G1584C.
Identifiers: ClinVar variation 868460 (VCV000868460.3), dbSNP rs2052361087, ClinGen allele CA10591592.

Conditions:
Breast-ovarian cancer, familial, susceptibility to, 1 (BROVCA1). Also called: BRCA1 Hereditary Breast and Ovarian Cancer; OVARIAN CANCER, SUSCEPTIBILITY TO. Identifiers: Orphanet 145, MedGen C2676676, MONDO:0011450, OMIM 604370. Disease mechanism: loss of function.

Submission:

Brotman Baty Institute, University of Washington
No classification provided (evidence only). Condition: Breast-ovarian cancer, familial 1. Review status: no classification provided. Collection method: in vitro. Allele origin: not applicable. Functional consequence: functionally_normal.
ClinVar note: "not provided" was previously submitted as the classification for the variant. However, the classification appeared to be based only on an observation of functional data so it was converted to no classification on 2025-07-30.